The following is an entry in ClinVar:

NM_018206.6(VPS35):c.2342G>A (p.Arg781Gln)

Gene: VPS35 (VPS35 retromer complex component; minus strand). Cytogenetic location: 16q11.2.
Variant type: single nucleotide variant.
Coding change: c.2342G>A on transcript NM_018206.6 (MANE Select); coding-DNA position 2342, G replaced by A.
Protein change: p.Arg781Gln; replaces arginine 781 with glutamine.
Molecular consequence: missense variant.
Genome position (GRCh38, 1-based): chr16:46,660,521, C>T on the plus strand (G>A on the coding strand, the complement: VPS35 is on the minus strand). VCF-style: chr16-46660521-C-T. GRCh37 (hg19) VCF-style: chr16-46694433-C-T.
Other names: short protein forms R781Q.
Identifiers: ClinVar variation 3671068 (VCV003671068.2).
Genomic context (GRCh38, chr16:46,660,521, plus strand): 5'-CTATTTCCTTTTTAAAGGATGAGACCTTCATAAATTGGCCCCTCGGATTCTGGTGATTCC[C>T]GCCGCAAGCGCAAATGCTCCAGTGTGTTATGAAAATGTTTGTTAATCTGCTCTGTTTCTT-3'
Protein context (NP_060676.2, residues 771-791): HNTLEHLRLR[Arg781Gln]ESPESEGPIY

ClinVar aggregate classification (germline): Uncertain significance (1 of 4 stars; one submission).

Conditions:
Parkinson disease 17 (PARK17). Also called: VPS35-Related Parkinson Disease. Identifiers: Orphanet 411602, MedGen C3280133, MONDO:0013625, OMIM 614203.

gnomAD v4.1: 6 of 1,613,904 alleles (0.00037%); highest among the groups gnomAD compares: Admixed American, 0.0017%; no homozygotes.

Submission:

Labcorp Genetics (formerly Invitae), Labcorp
Classification: Uncertain significance for Parkinson disease 17. Last evaluated: 2024-08-17. Review status: criteria provided, single submitter. Criteria: Invitae Variant Classification Sherloc (09022015). Collection method: clinical testing. Allele origin: germline.
Comment: This sequence change replaces arginine, which is basic and polar, with glutamine, which is neutral and polar, at codon 781 of the VPS35 protein (p.Arg781Gln). This variant is present in population databases (no rsID available, gnomAD 0.004%). This variant has not been reported in the literature in individuals affected with VPS35-related conditions. Invitae Evidence Modeling of protein sequence and biophysical properties (such as structural, functional, and spatial information, amino acid conservation, physicochemical variation, residue mobility, and thermodynamic stability) indicates that this missense variant is not expected to disrupt VPS35 protein function with a negative predictive value of 80%. In summary, the available evidence is currently insufficient to determine the role of this variant in disease. Therefore, it has been classified as a Variant of Uncertain Significance.